The following is an entry in ClinVar:

NM_004937.3(CTNS):c.485_486delinsAA (p.Phe162Ter)

Genes: CTNS (cystinosin, lysosomal cystine transporter; plus strand), CTNS-AS1 (CTNS antisense RNA 1; minus strand). Cytogenetic location: 17p13.2.
Variant type: Indel.
Coding change: c.485_486delinsAA on transcript NM_004937.3 (MANE Select); coding-DNA positions 485 to 486, TC replaced by AA.
Protein change: p.Phe162Ter; replaces phenylalanine 162 with a stop codon.
Molecular consequence: nonsense.
Genome position (GRCh38, 1-based): chr17:3,656,510-3,656,511, TC replaced by AA. VCF-style: chr17-3656510-TC-AA. GRCh37 (hg19) VCF-style: chr17-3559804-TC-AA.
Other names: c.485_486delinsAA, p.Phe162Ter (NM_001031681.3, NM_001374492.1); c.44_45delinsAA, p.Phe15Ter (NM_001374493.1, NM_001374494.1, NM_001374495.1 and 1 more transcripts); short protein forms F15*, F162*.
Identifiers: ClinVar variation 5038077 (VCV005038077.1).
Genomic context (GRCh38, chr17:3,656,510, plus strand): 5'-CACCCCCTGCCCTGTCTTGTCCCTCCACCCCCTGCAGTGTCATTGGTCTGAGCTTCGACT[TC>AA]GTGGCTCTGAACCTGACGGGCTTCGTGGCCTACAGTGTATTCAACATCGGCCTCCTCTGG-3'

ClinVar aggregate classification (germline): Pathogenic (1 of 4 stars; one submission).

Conditions:
Nephropathic cystinosis (CTNS). Also called: Abderhalden Lignac Kaufmann disease; Abderhalden-Kaufmann-Lignac syndrome; CYSTINOSIN, DEFECT OF; LYSOSOMAL CYSTINE TRANSPORT PROTEIN, DEFECT OF. Identifiers: Orphanet 213, Orphanet 411629, MedGen C2931187, MONDO:0100151, OMIM 219800.

Submission:

MVZ Medizinische Genetik Mainz
Classification: Pathogenic for Nephropathic cystinosis. Last evaluated: 2023-12-20. Review status: criteria provided, single submitter. Criteria: UK Practice Guidelines For Variant Classification V4 01 2020. Collection method: clinical testing. Allele origin: germline. Inheritance: Autosomal recessive inheritance. Affected: yes. Observed: 1 variant allele.
Comment: ACMG Criteria: PVS1,PM3,PM2_SUP,PP4; Compound Heterozygote